The following is an entry in ClinVar:

NM_001009944.3(PKD1):c.6621C>T (p.Pro2207=)

Gene: PKD1 (polycystin 1, transient receptor potential channel interacting; minus strand). Cytogenetic location: 16p13.3.
Variant type: single nucleotide variant.
Coding change: c.6621C>T on transcript NM_001009944.3 (MANE Select); coding-DNA position 6621, C replaced by T.
Protein change: p.Pro2207=; no amino-acid change (proline 2207 retained).
Molecular consequence: synonymous variant.
Genome position (GRCh38, 1-based): chr16:2,108,546, G>A on the plus strand (C>T on the coding strand, the complement: PKD1 is on the minus strand). VCF-style: chr16-2108546-G-A. GRCh37 (hg19) VCF-style: chr16-2158547-G-A.
Other names: c.6621C>T, p.Pro2207= (NM_000296.4).
Identifiers: ClinVar variation 3036256 (VCV003036256.2), dbSNP rs575553075, ClinGen allele CA7831534.

ClinVar aggregate classification (germline): Likely benign (0 of 4 stars; one submission).

Conditions:
PKD1-related disorder. Also called: PKD1-related condition.

gnomAD v4.1: 44 of 1,605,248 alleles (0.0027%); highest among the groups gnomAD compares: East Asian, 0.0067%; no homozygotes.

Submission:

PreventionGenetics, part of Exact Sciences
Classification: Likely benign for PKD1-related condition. Last evaluated: 2022-07-14. Review status: no assertion criteria provided. Collection method: clinical testing. Allele origin: germline.
Comment: This variant is classified as likely benign based on ACMG/AMP sequence variant interpretation guidelines (Richards et al. 2015 PMID: 25741868, with internal and published modifications).